The following is an entry in ClinVar:

ClinVar aggregate classification (germline): Uncertain significance (1 of 4 stars; one submission).

Conditions:
Nonsyndromic congenital nail disorder 8. Also called: TOENAIL DYSTROPHY, ISOLATED. Identifiers: MedGen C1843761, MONDO:0011852, OMIM 607523.
Epidermolysis bullosa pruriginosa. Also called: DEB, PRURIGINOSA; DYSTROPHIC EPIDERMOLYSIS BULLOSA PRURIGINOSA. Identifiers: Orphanet 89843, MedGen C1275114, MONDO:0011398, OMIM 604129.
Recessive dystrophic epidermolysis bullosa (RDEB). Also called: DYSTROPHIC EPIDERMOLYSIS BULLOSA, AUTOSOMAL RECESSIVE; EPIDERMOLYSIS BULLOSA DYSTROPHICA, HALLOPEAU-SIEMENS TYPE; EPIDERMOLYSIS BULLOSA DYSTROPHICA, GENERALIZED SEVERE, AUTOSOMAL RECESSIVE; epidermolysis bullosa dystrophica, autosomal recessive; Recessive DEB (RDEB); Hallopeau-Siemens Disease. Identifiers: Orphanet 79408, Orphanet 79409, MedGen C0079474, MONDO:0009179, OMIM 226600.
Dominant dystrophic epidermolysis bullosa with absence of skin. Also called: EPIDERMOLYSIS BULLOSA WITH CONGENITAL LOCALIZED ABSENCE OF SKIN AND DEFORMITY OF NAILS; EPIDERMOLYSIS BULLOSA DYSTROPHICA, BART TYPE. Identifiers: MedGen C0268371, MONDO:0007557, OMIM 132000.
Pretibial dystrophic epidermolysis bullosa. Also called: EPIDERMOLYSIS BULLOSA DYSTROPHICA, PRETIBIAL; Pretibial epidermolysis bullosa; Pretibial blistering. Identifiers: Orphanet 79410, MedGen C0432321, MONDO:0007552, OMIM 131850, HP:0012221.
Transient bullous dermolysis of the newborn (TBDN). Also called: DYSTROPHIC EPIDERMOLYSIS BULLOSA, NEONATAL; EPIDERMOLYSIS BULLOSA DYSTROPHICA, NEONATAL FORM. Identifiers: Orphanet 79411, MedGen C1851573, MONDO:0007548, OMIM 131705.
Generalized dominant dystrophic epidermolysis bullosa (DDEB). Also called: Dominant DEB (DDEB); DDEB, generalized; DDEB-gen; DYSTROPHIC EPIDERMOLYSIS BULLOSA, AUTOSOMAL DOMINANT; Epidermolysis bullosa dystrophica, autosomal dominant. Identifiers: Orphanet 231568, MedGen C0432322, MONDO:0007549, OMIM 131750.

Submission:

Juno Genomics, Hangzhou Juno Genomics, Inc
Classification: Uncertain significance for Recessive dystrophic epidermolysis bullosa; Generalized dominant dystrophic epidermolysis bullosa; Dominant dystrophic epidermolysis bullosa with absence of skin; Nonsyndromic congenital nail disorder 8; Epidermolysis bullosa pruriginosa; Pretibial dystrophic epidermolysis bullosa; Transient bullous dermolysis of the newborn. Review status: criteria provided, single submitter. Criteria: ACMG Guidelines, 2015. Collection method: clinical testing. Allele origin: germline. Affected: yes.
Comment: Absent from controls (or at extremely low frequency if recessive) in Genome Aggregation Database, Exome Sequencing Project, 1000 Genomes Project, or Exome Aggregation Consortium.;Multiple lines of computational evidence support a deleterious effect on the gene or gene product (conservation, evolutionary, splicing impact, etc).;For recessive disorders, detected in trans with a pathogenic variant.;Patient's phenotype or family history is highly specific for a disease with a single genetic etiology.

NM_000094.4(COL7A1):c.2587+3A>T

Gene: COL7A1 (collagen type VII alpha 1 chain; minus strand). Cytogenetic location: 3p21.31.
Variant type: single nucleotide variant.
Coding change: c.2587+3A>T on transcript NM_000094.4 (MANE Select); 3 bases into the intron after coding-DNA position 2587, A replaced by T.
Molecular consequence: intron variant.
Genome position (GRCh38, 1-based): chr3:48,588,639, T>A on the plus strand (A>T on the coding strand, the complement: COL7A1 is on the minus strand). VCF-style: chr3-48588639-T-A. GRCh37 (hg19) VCF-style: chr3-48626072-T-A.
Identifiers: ClinVar variation 3764692 (VCV003764692.2).